The following is an entry in ClinVar:

ClinVar aggregate classification (germline): Uncertain significance (1 of 4 stars; one submission).

gnomAD v4.1: 1 of 1,613,494 alleles (0.000062%); highest among the groups gnomAD compares: Non-Finnish European, 0.000085%; no homozygotes.

Submission:

GeneDx
Classification: Uncertain significance. Last evaluated: 2025-01-10. Review status: criteria provided, single submitter. Criteria: GeneDx Variant Classification Process June 2021. Collection method: clinical testing. Allele origin: germline. Affected: yes.
Comment: Not observed at significant frequency in large population cohorts (gnomAD); In silico analysis supports that this missense variant has a deleterious effect on protein structure/function; Has not been previously published as pathogenic or benign to our knowledge

NM_020706.2(SCAF4):c.2260C>T (p.Pro754Ser)

Gene: SCAF4 (SR-related CTD associated factor 4; minus strand). Cytogenetic location: 21q22.11.
Variant type: single nucleotide variant.
Coding change: c.2260C>T on transcript NM_020706.2 (MANE Select); coding-DNA position 2260, C replaced by T.
Protein change: p.Pro754Ser; replaces proline 754 with serine.
Molecular consequence: missense variant.
Genome position (GRCh38, 1-based): chr21:31,685,434, G>A on the plus strand (C>T on the coding strand, the complement: SCAF4 is on the minus strand). VCF-style: chr21-31685434-G-A. GRCh37 (hg19) VCF-style: chr21-33057747-G-A.
Other names: c.2215C>T, p.Pro739Ser (NM_001145444.1); c.2260C>T, p.Pro754Ser (NM_001145445.1); short protein forms P739S, P754S.
Identifiers: ClinVar variation 4057132 (VCV004057132.1).